The following is an entry in ClinVar:

ClinVar aggregate classification (germline): Uncertain significance (1 of 4 stars; one submission).

Conditions:
Alport syndrome. Also called: Hemorrhagic familial nephritis; Hemorrhagic hereditary nephritis; Congenital hereditary hematuria. Identifiers: Orphanet 63, MedGen C1567741, MONDO:0018965.

Submission:

Myriad Genetics, Inc.
Classification: Uncertain significance for Alport syndrome. Last evaluated: 2026-06-10. Review status: criteria provided, single submitter. Criteria: Myriad Autosomal Dominant, Autosomal Recessive and X-Linked Classification Criteria (2023). Collection method: clinical testing. Allele origin: unknown.
Comment: NM_000091.4(COL4A3):c.63_64ins24(L14_L21dup) is an in-frame insertion classified as a variant of uncertain significance in the context of Alport syndrome, COL4A3-related. L14_L21dup has not been observed in cases with relevant disease. Relevant functional assessments of this variant are not available in the literature. L14_L21dup has not been observed in referenced population frequency databases. In summary, there is insufficient evidence to classify NM_000091.4(COL4A3):c.63_64ins24(L14_L21dup) as pathogenic or benign. Please note: this variant was assessed in the context of healthy population screening.

NC_000002.12:g.227164789_227164790insCTACCGCTCCTGCTGGTGCTCCTG

Genes: COL4A3 (collagen type IV alpha 3 chain; plus strand), COL4A4 (collagen type IV alpha 4 chain; minus strand), LOC129935730 (ATAC-STARR-seq lymphoblastoid silent region 12397; plus strand). Cytogenetic location: 2q36.3.
Variant type: Insertion.
Molecular consequence: inframe insertion (on NM_000091.5).
Genome position: GRCh38 VCF-style: chr2-227164768-G-GCCGCTCCTGCTGGTGCTCCTGCTA. GRCh37 (hg19) VCF-style: chr2-228029484-G-GCCGCTCCTGCTGGTGCTCCTGCTA.
Other names: c.63_64insCTACCGCTCCTGCTGGTGCTCCTG, p.Leu21_Ala22insLeuProLeuLeuLeuValLeuLeu (NM_000091.5).
Identifiers: ClinVar variation 5003735 (VCV005003735.1).